The following is an entry in ClinVar:

NM_025137.4(SPG11):c.4052G>A (p.Arg1351Lys)

Gene: SPG11 (SPG11 vesicle trafficking associated, spatacsin; minus strand). Cytogenetic location: 15q21.1.
Variant type: single nucleotide variant.
Coding change: c.4052G>A on transcript NM_025137.4 (MANE Select); coding-DNA position 4052, G replaced by A.
Protein change: p.Arg1351Lys; replaces arginine 1351 with lysine.
Molecular consequence: missense variant.
Genome position (GRCh38, 1-based): chr15:44,596,893, C>T on the plus strand (G>A on the coding strand, the complement: SPG11 is on the minus strand). VCF-style: chr15-44596893-C-T. GRCh37 (hg19) VCF-style: chr15-44889091-C-T.
Other names: c.4052G>A, p.Arg1351Lys (NM_001160227.2); short protein forms R1351K.
Identifiers: ClinVar variation 884679 (VCV000884679.17), dbSNP rs564171625, ClinGen allele CA7534773.

ClinVar aggregate classification (germline): Conflicting classifications of pathogenicity. Review status: criteria provided, conflicting classifications (1 of 4 stars). 5 submissions from 5 submitters: Uncertain significance (1); Likely benign (4). Last evaluated 2026-01-28.

Conditions:
SPG11-related disorder. Also called: SPG11-related condition.
Hereditary spastic paraplegia 11. Also called: Nakamura Osame syndrome; Autosomal recessive hereditary spastic paraplegia, mental impairment, and thin corpus callosum; Spastic paraplegia, mental retardation and thin corpus callosum; SPASTIC PARAPLEGIA, AUTOSOMAL RECESSIVE, COMPLICATED, WITH THIN CORPUS CALLOSUM; SPASTIC PARAPLEGIA, AUTOSOMAL RECESSIVE, WITH MENTAL IMPAIRMENT AND THIN CORPUS CALLOSUM; Spastic Paraplegia 11. Identifiers: Orphanet 2822, MedGen C1858479, MONDO:0011445, OMIM 604360.
Inborn genetic diseases. Identifiers: MedGen C0950123, MeSH D030342.
Hereditary spastic paraplegia. Also called: Familial spastic paraparesis. Identifiers: Orphanet 685, MedGen C0037773, MONDO:0019064. Disease mechanism: loss of function.

Allele frequency attached by ClinVar (database versions not stated): gnomAD below 0.00001 and 0.00021; TOPMed 0.00003; gnomAD exomes 0.00031 and 0.00055; ExAC 0.00053; 1000 Genomes Project 30x 0.00094; 1000 Genomes Project 0.00120.
gnomAD v4.1: 487 of 1,613,912 alleles (0.03%); highest among the groups gnomAD compares: South Asian, 0.51%; 4 homozygotes.

Submissions (5):

Labcorp Genetics (formerly Invitae), Labcorp
Classification: Likely benign for Hereditary spastic paraplegia 11. Last evaluated: 2026-01-28. Review status: criteria provided, single submitter. Criteria: Invitae Variant Classification Sherloc (09022015). Collection method: clinical testing. Allele origin: germline.

PreventionGenetics, part of Exact Sciences
Classification: Likely benign for SPG11-related condition. Last evaluated: 2024-11-22. Review status: criteria provided, single submitter. Criteria: ACMG Guidelines, 2015. Collection method: clinical testing. Allele origin: germline.
Comment: This variant is classified as likely benign based on ACMG/AMP sequence variant interpretation guidelines (Richards et al. 2015 PMID: 25741868, with internal and published modifications).

Ambry Genetics
Classification: Likely benign for Inborn genetic diseases. Last evaluated: 2021-08-10. Review status: criteria provided, single submitter. Criteria: Ambry Variant Classification Scheme 2023. Collection method: clinical testing. Allele origin: germline.

Genome Diagnostics Laboratory, The Hospital for Sick Children
Classification: Likely benign for Hereditary spastic paraplegia. Last evaluated: 2018-03-01. Review status: criteria provided, single submitter. Criteria: ACMG Guidelines, 2015. Collection method: clinical testing. Allele origin: germline. Affected: yes.

Illumina Laboratory Services, Illumina
Classification: Uncertain significance for Hereditary spastic paraplegia 11. Last evaluated: 2018-01-13. Review status: criteria provided, single submitter. Criteria: ICSL Variant Classification Criteria 13 December 2019. Collection method: clinical testing. Allele origin: germline.